The following is an entry in ClinVar:

NM_080425.4(GNAS):c.1445C>T (p.Thr482Ile)

Gene: GNAS (GNAS complex locus; plus strand). Cytogenetic location: 20q13.32.
Variant type: single nucleotide variant.
Coding change: c.1445C>T on transcript NM_080425.4 (MANE Plus Clinical); coding-DNA position 1445, C replaced by T.
Protein change: p.Thr482Ile; replaces threonine 482 with isoleucine.
Molecular consequence: missense variant. On other transcripts: intron variant (3).
Genome position (GRCh38, 1-based): chr20:58,854,710, C>T. VCF-style: chr20-58854710-C-T. GRCh37 (hg19) VCF-style: chr20-57429765-C-T.
Other names: c.1258C>T, p.Pro420Ser (NM_001077490.3, NM_001309883.1); c.1445C>T, p.Thr482Ile (NM_001410913.1); c.*42+13824C>T (NM_016592.5); c.43+13824C>T (NM_001410912.1); c.-39+12835C>T (NM_001309861.2); short protein forms P420S, T482I.
Identifiers: ClinVar variation 3356824 (VCV003356824.1).
Genomic context (GRCh38, chr20:58,854,710, plus strand): 5'-CAGCCGATCCAGATGCCGGGGCGGCCCCTGAGGCTCCCGCCGCCCCTGCGGCTGCTGAGA[C>T]CCGGGCAGCCCATGTCGCCCCAGCTGCGCCAGACGCAGGGGCTCCCACTGCCCCAGCCGC-3'
Protein context (NP_536350.2, residues 472-492): EAPAAPAAAE[Thr482Ile]RAAHVAPAAP

ClinVar aggregate classification (germline): Uncertain significance (0 of 4 stars; one submission).

Conditions:
GNAS-related disorder. Identifiers: MedGen CN380105.

gnomAD v4.1: 10 of 1,532,810 alleles (0.00065%); highest among the groups gnomAD compares: South Asian, 0.012%; 1 homozygote.

Submission:

PreventionGenetics, part of Exact Sciences
Classification: Uncertain significance for GNAS-related condition. Last evaluated: 2024-05-01. Review status: no assertion criteria provided. Collection method: clinical testing. Allele origin: germline.
Comment: The GNAS c.1445C>T variant is predicted to result in the amino acid substitution p.Thr482Ile. To our knowledge, this variant has not been reported in the literature. This variant is reported in 0.0091% of alleles in individuals of South Asian descent in gnomAD. At this time, the clinical significance of this variant is uncertain due to the absence of conclusive functional and genetic evidence.